The following is an entry in ClinVar:

NM_007254.4(PNKP):c.939T>C (p.Phe313=)

Gene: PNKP (polynucleotide kinase 3'-phosphatase; minus strand). Cytogenetic location: 19q13.33.
Variant type: single nucleotide variant.
Coding change: c.939T>C on transcript NM_007254.4 (MANE Select); coding-DNA position 939, T replaced by C.
Protein change: p.Phe313=; no amino-acid change (phenylalanine 313 retained).
Molecular consequence: synonymous variant.
Genome position (GRCh38, 1-based): chr19:49,862,461, A>G on the plus strand (T>C on the coding strand, the complement: PNKP is on the minus strand). VCF-style: chr19-49862461-A-G. GRCh37 (hg19) VCF-style: chr19-50365718-A-G.
Other names: p.F313F:TTT>TTC; p.Phe313=.
Identifiers: ClinVar variation 138717 (VCV000138717.71), dbSNP rs149731642, ClinGen allele CA302670.

ClinVar aggregate classification (germline): Benign/Likely benign. Review status: criteria provided, multiple submitters, no conflicts (2 of 4 stars). 14 submissions from 14 submitters: Benign (5); Likely benign (8). 1 of the submissions does not count toward it. Last evaluated 2026-09-01.

Conditions:
Inborn genetic diseases. Identifiers: MedGen C0950123, MeSH D030342.
Developmental and epileptic encephalopathy, 12 (DEE12). Identifiers: MedGen C3150988, MONDO:0013389, OMIM 613722.
Microcephaly, seizures, and developmental delay. Identifiers: Orphanet 1934, MedGen C3150667, MONDO:0013254, OMIM 613402.

Allele frequency attached by ClinVar (database versions not stated): 1000 Genomes Project 30x 0.00031; 1000 Genomes Project 0.00040; gnomAD exomes 0.00221 and 0.00347; ESP Exome Variant Server 0.00224; TOPMed 0.00253; gnomAD 0.00279 and 0.00290; ExAC 0.00532.
gnomAD v4.1: 5,381 of 1,591,856 alleles (0.34%); highest among the groups gnomAD compares: Non-Finnish European, 0.42%; 13 homozygotes.

Submissions (14):

CeGaT Center for Human Genetics Tuebingen
Classification: Likely benign. Last evaluated: 2026-09-01. Review status: criteria provided, single submitter. Criteria: CeGaT Center For Human Genetics Tuebingen Variant Classification Criteria Version 2. Collection method: clinical testing. Allele origin: germline. Affected: yes. Observed: 64 variant alleles.
Comment: PNKP: BP4, BP7, BS2

Labcorp Genetics (formerly Invitae), Labcorp
Classification: Benign for Developmental and epileptic encephalopathy, 12. Last evaluated: 2026-02-02. Review status: criteria provided, single submitter. Criteria: Invitae Variant Classification Sherloc (09022015). Collection method: clinical testing. Allele origin: germline.

Mayo Clinic Laboratories, Mayo Clinic
Classification: Benign. Last evaluated: 2025-08-19. Review status: criteria provided, single submitter. Criteria: ACMG Guidelines, 2015. Collection method: clinical testing. Allele origin: germline. Observed: 25 variant alleles.
Comment: BS1, BS2, BP4, BP7

Blueprint Genetics
Classification: Likely benign. Last evaluated: 2024-11-27. Review status: criteria provided, single submitter. Criteria: ACMG Guidelines, 2015. Collection method: clinical testing. Allele origin: germline.

ARUP Laboratories, Molecular Genetics and Genomics, ARUP Laboratories
Classification: Likely benign. Last evaluated: 2024-08-29. Review status: criteria provided, single submitter. Criteria: ARUP Molecular Germline Variant Investigation Process 2024. Collection method: clinical testing. Allele origin: germline.

Athena Diagnostics
Classification: Benign. Last evaluated: 2018-10-17. Review status: criteria provided, single submitter. Criteria: Athena Diagnostics Criteria. Collection method: clinical testing. Allele origin: germline.

Illumina Laboratory Services, Illumina
Classification: Likely benign for Microcephaly, seizures, and developmental delay. Last evaluated: 2018-01-13. Review status: criteria provided, single submitter. Criteria: ICSL Variant Classification Criteria 13 December 2019. Collection method: clinical testing. Allele origin: germline.
Comment: This variant was observed in the ICSL laboratory as part of a predisposition screen in an ostensibly healthy population. It had not been previously curated by ICSL or reported in the Human Gene Mutation Database (HGMD: prior to June 1st, 2018), and was therefore a candidate for classification through an automated scoring system. Utilizing variant allele frequency, disease prevalence and penetrance estimates, and inheritance mode, an automated score was calculated to assess if this variant is too frequent to cause the disease. Based on the score and internal cut-off values, a variant classified as likely benign is not then subjected to further curation. The score for this variant resulted in a classification of likely benign for this disease.

Ambry Genetics
Classification: Likely benign for Inborn genetic diseases. Last evaluated: 2016-06-21. Review status: criteria provided, single submitter. Criteria: Ambry Variant Classification Scheme 2023. Collection method: clinical testing. Allele origin: germline.

Eurofins Ntd Llc (ga)
Classification: Benign. Last evaluated: 2016-01-07. Review status: criteria provided, single submitter. Criteria: EGL Classification Definitions 2015. Collection method: clinical testing. Allele origin: germline. Observed: 3 variant alleles, 3 heterozygotes.

Clinical Genetics DNA and cytogenetics Diagnostics Lab, Erasmus MC, Erasmus Medical Center
Classification: Likely benign for Microcephaly, seizures, and developmental delay. Last evaluated: 2015-09-21. Review status: criteria provided, single submitter. Criteria: ACGS Guidelines, 2013. Collection method: clinical testing. Allele origin: germline. Affected: yes. Study: VKGL Data-share Consensus.

Genetic Services Laboratory, University of Chicago
Classification: Likely benign. Last evaluated: 2015-07-24. Review status: criteria provided, single submitter. Criteria: ACMG Guidelines, 2015. Collection method: clinical testing. Allele origin: germline.

GeneDx
Classification: Benign. Last evaluated: 2014-03-04. Review status: criteria provided, single submitter. Criteria: GeneDx Variant Classification (06012015). Collection method: clinical testing. Allele origin: germline. Affected: yes.
Comment: This variant is considered likely benign or benign based on one or more of the following criteria: it is a conservative change, it occurs at a poorly conserved position in the protein, it is predicted to be benign by multiple in silico algorithms, and/or has population frequency not consistent with disease.

Breakthrough Genomics
Classification: Likely benign. Review status: criteria provided, single submitter. Criteria: ACMG Guidelines, 2015. Collection method: not provided. Allele origin: germline. Inheritance: Autosomal recessive inheritance. Affected: yes.

Diagnostic Laboratory, Department of Genetics, University Medical Center Groningen
Classification: Likely benign for Microcephaly, seizures, and developmental delay. Review status: no assertion criteria provided. Collection method: clinical testing. Allele origin: germline. Affected: yes. Study: VKGL Data-share Consensus. Not counted in ClinVar's aggregate classification.